The following is an entry in ClinVar:

NM_152383.5(DIS3L2):c.*315G>C

Gene: DIS3L2 (DIS3 like 3'-5' exoribonuclease 2; plus strand). Cytogenetic location: 2q37.1.
Variant type: single nucleotide variant.
Coding change: c.*315G>C on transcript NM_152383.5 (MANE Select); 315 bases downstream of the stop codon, G replaced by C.
Molecular consequence: 3 prime UTR variant. On other transcripts: non-coding transcript variant (2), intron variant (1).
Genome position (GRCh38, 1-based): chr2:232,336,945, G>C. VCF-style: chr2-232336945-G-C. GRCh37 (hg19) VCF-style: chr2-233201655-G-C.
Other names: c.1582-6400G>C (NM_001257281.2).
Identifiers: ClinVar variation 897535 (VCV000897535.4), dbSNP rs192296021, ClinGen allele CA66933100.

ClinVar aggregate classification (germline): Benign (1 of 4 stars; one submission).

Conditions:
Perlman syndrome (PRLMNS). Identifiers: Orphanet 2849, MedGen C0796113, MONDO:0009965, OMIM 267000.

Allele frequency attached by ClinVar (database versions not stated): gnomAD exomes 0.00043; gnomAD 0.00545 and 0.00582; 1000 Genomes Project 0.00579; TOPMed 0.00645; 1000 Genomes Project 30x 0.00671.
gnomAD v4.1: 1,295 of 1,192,642 alleles (0.11%); highest among the groups gnomAD compares: African/African-American, 1.9%; 16 homozygotes.

Submission:

Illumina Laboratory Services, Illumina
Classification: Benign for Perlman syndrome. Last evaluated: 2018-01-13. Review status: criteria provided, single submitter. Criteria: ICSL Variant Classification Criteria 13 December 2019. Collection method: clinical testing. Allele origin: germline.
Comment: This variant was observed in the ICSL laboratory as part of a predisposition screen in an ostensibly healthy population. It had not been previously curated by ICSL or reported in the Human Gene Mutation Database (HGMD: prior to June 1st, 2018), and was therefore a candidate for classification through an automated scoring system. Utilizing variant allele frequency, disease prevalence and penetrance estimates, and inheritance mode, an automated score was calculated to assess if this variant is too frequent to cause the disease. Based on the score and internal cut-off values, a variant classified as benign is not then subjected to further curation. The score for this variant resulted in a classification of benign for this disease.